The following is an entry in ClinVar:

ClinVar aggregate classification (germline): Uncertain significance (1 of 4 stars; one submission).

Conditions:
Glycogen storage disease, type II (IOPD). Also called: POMPE DISEASE, INFANTILE-ONSET; GLYCOGEN STORAGE DISEASE II, INFANTILE-ONSET; ACID ALPHA-GLUCOSIDASE DEFICIENCY, INFANTILE-ONSET; GAA DEFICIENCY, INFANTILE-ONSET; ACID MALTASE DEFICIENCY, INFANTILE-ONSET; GLYCOGENOSIS, GENERALIZED, CARDIAC FORM. Identifiers: Orphanet 365, MedGen C0017921, MONDO:0009290, OMIM 232300.

Submission:

Labcorp Genetics (formerly Invitae), Labcorp
Classification: Uncertain significance for Glycogen storage disease, type II. Last evaluated: 2021-08-20. Review status: criteria provided, single submitter. Criteria: Invitae Variant Classification Sherloc (09022015). Collection method: clinical testing. Allele origin: germline.
Comment: This sequence change replaces threonine with asparagine at codon 156 of the GAA protein (p.Thr156Asn). The threonine residue is weakly conserved and there is a small physicochemical difference between threonine and asparagine. This variant is not present in population databases (ExAC no frequency). This variant has not been reported in the literature in individuals affected with GAA-related conditions. Advanced modeling of protein sequence and biophysical properties (such as structural, functional, and spatial information, amino acid conservation, physicochemical variation, residue mobility, and thermodynamic stability) performed at Invitae indicates that this missense variant is not expected to disrupt GAA protein function. In summary, the available evidence is currently insufficient to determine the role of this variant in disease. Therefore, it has been classified as a Variant of Uncertain Significance.

NM_000152.5(GAA):c.467C>A (p.Thr156Asn)

Gene: GAA (alpha glucosidase; plus strand). Cytogenetic location: 17q25.3.
Variant type: single nucleotide variant.
Coding change: c.467C>A on transcript NM_000152.5 (MANE Select); coding-DNA position 467, C replaced by A.
Protein change: p.Thr156Asn; replaces threonine 156 with asparagine.
Molecular consequence: missense variant.
Genome position (GRCh38, 1-based): chr17:80,105,053, C>A. VCF-style: chr17-80105053-C-A. GRCh37 (hg19) VCF-style: chr17-78078852-C-A.
Other names: c.467C>A, p.Thr156Asn (NM_001079803.3, NM_001079804.3); short protein forms T156N.
Identifiers: ClinVar variation 1485133 (VCV001485133.6), dbSNP rs1394741472, ClinGen allele CA401361562.